The following is an entry in ClinVar:

ClinVar aggregate classification (germline): Uncertain significance (1 of 4 stars; one submission).

gnomAD v4.1: 1 of 1,613,862 alleles (0.000062%); no homozygotes.

Submission:

Women's Health and Genetics/Laboratory Corporation of America, LabCorp
Classification: Uncertain significance. Last evaluated: 2025-10-02. Review status: criteria provided, single submitter. Criteria: LabCorp Variant Classification Summary - May 2015. Collection method: clinical testing. Allele origin: germline.
Comment: Variant summary: FBXO31 c.1499G>A (p.Trp500X) results in a premature termination codon, predicted to cause a truncation of the encoded protein, however current evidence is not sufficient to establish loss of function as a mechanism for disease. The variant allele was found at a frequency of 4e-06 in 250520 control chromosomes. The available data on variant occurrences in the general population are insufficient to allow any conclusion about variant significance. To our knowledge, no occurrence of c.1499G>A in individuals affected with FBXO31-related conditions and no experimental evidence demonstrating its impact on protein function have been reported. No submitters have cited clinical-significance assessments for this variant to ClinVar. Based on the evidence outlined above, the variant was classified as uncertain significance.

NM_024735.5(FBXO31):c.1499G>A (p.Trp500Ter)

Gene: FBXO31 (F-box protein 31; minus strand). Cytogenetic location: 16q24.2.
Variant type: single nucleotide variant.
Coding change: c.1499G>A on transcript NM_024735.5 (MANE Select); coding-DNA position 1499, G replaced by A.
Protein change: p.Trp500Ter; replaces tryptophan 500 with a stop codon.
Molecular consequence: nonsense.
Genome position (GRCh38, 1-based): chr16:87,331,409, C>T on the plus strand (G>A on the coding strand, the complement: FBXO31 is on the minus strand). VCF-style: chr16-87331409-C-T. GRCh37 (hg19) VCF-style: chr16-87365015-C-T.
Other names: c.983G>A, p.Trp328Ter (NM_001282683.2); short protein forms W328*, W500*.
Identifiers: ClinVar variation 4687607 (VCV004687607.1).